The following is an entry in ClinVar:

ClinVar aggregate classification (germline): Likely benign (1 of 4 stars; one submission).

Allele frequency attached by ClinVar (database versions not stated): 1000 Genomes Project 30x 0.00172; 1000 Genomes Project 0.00180; gnomAD 0.00272; ExAC 0.00276; TOPMed 0.00324; ESP Exome Variant Server 0.00369; gnomAD exomes 0.00395.

Submission:

CeGaT Center for Human Genetics Tuebingen
Classification: Likely benign. Last evaluated: 2022-03-01. Review status: criteria provided, single submitter. Criteria: CeGaT Center For Human Genetics Tuebingen Variant Classification Criteria Version 2. Collection method: clinical testing. Allele origin: germline. Affected: yes. Observed: 1 variant allele.
Comment: SETD4: BP4, BS2

NM_017438.5(SETD4):c.1212A>T (p.Lys404Asn)

Gene: SETD4 (SET domain containing 4; minus strand). Cytogenetic location: 21q22.12.
Variant type: single nucleotide variant.
Coding change: c.1212A>T on transcript NM_017438.5 (MANE Select); coding-DNA position 1212, A replaced by T.
Protein change: p.Lys404Asn; replaces lysine 404 with asparagine.
Molecular consequence: missense variant. On other transcripts: non-coding transcript variant (1).
Genome position (GRCh38, 1-based): chr21:36,036,228, T>A on the plus strand (A>T on the coding strand, the complement: SETD4 is on the minus strand). VCF-style: chr21-36036228-T-A. GRCh37 (hg19) VCF-style: chr21-37408526-T-A.
Other names: c.1140A>T, p.Lys380Asn (NM_001286752.2); short protein forms K380N, K404N.
Identifiers: ClinVar variation 2652639 (VCV002652639.24), dbSNP rs140814445, ClinGen allele CA10014827.
Genomic context (GRCh38, chr21:36,036,228, plus strand): 5'-AATCTTTAGCTCTTCCGTCCACAAGGATTCCACCAAAGTTAGTTGGTTTATCAGGGCCTC[T>A]TTTTCATCCTTCATATGAGACACCTGAAAGTTATTTTTTAATTATTGTTATTGTAGTAAA-3'
Protein context (NP_059134.1, residues 394-414): LQKVSHMKDE[Lys404Asn]EALINQLTLV